The following is an entry in ClinVar:

NM_001282933.2(ZNF341):c.339+76G>T

Gene: ZNF341 (zinc finger protein 341; plus strand). Cytogenetic location: 20q11.22.
Variant type: single nucleotide variant.
Coding change: c.339+76G>T on transcript NM_001282933.2 (MANE Select); 76 bases into the intron after coding-DNA position 339, G replaced by T.
Molecular consequence: intron variant.
Genome position (GRCh38, 1-based): chr20:33,745,375, G>T. VCF-style: chr20-33745375-G-T. GRCh37 (hg19) VCF-style: chr20-32333181-G-T.
Other names: c.339+76G>T (NM_032819.5); c.70-3548G>T (NM_001282935.2).
Identifiers: ClinVar variation 2628155 (VCV002628155.2), dbSNP rs7274811, ClinGen allele CA14755369.

ClinVar aggregate classification (germline): Benign (1 of 4 stars; one submission).

Allele frequency attached by ClinVar (database versions not stated): 1000 Genomes Project 30x 0.22611; 1000 Genomes Project 0.22923; gnomAD 0.23486; TOPMed 0.24344; gnomAD exomes 0.24879.
gnomAD v4.1: 355,717 of 1,438,444 alleles (25%); highest among the groups gnomAD compares: Admixed American, 37%; 45,560 homozygotes.

Submission:

Unidad de Genómica Garrahan, Hospital de Pediatría Garrahan
Classification: Benign. Last evaluated: 2023-11-12. Review status: criteria provided, single submitter. Criteria: ACMG Guidelines, 2015. Collection method: clinical testing. Allele origin: germline. Affected: no. Observed: 53 variant alleles.
Comment: This variant is classified as Benign based on local population frequency. This variant was detected in 55% of patients studied by a panel of primary immunodeficiencies. Number of patients: 53. Only high quality variants are reported.